The following is an entry in ClinVar:

ClinVar aggregate classification (germline): Uncertain significance (1 of 4 stars; one submission).

Submission:

Labcorp Genetics (formerly Invitae), Labcorp
Classification: Uncertain significance. Last evaluated: 2024-10-22. Review status: criteria provided, single submitter. Criteria: Invitae Variant Classification Sherloc (09022015). Collection method: clinical testing. Allele origin: germline.
Comment: This sequence change replaces asparagine, which is neutral and polar, with serine, which is neutral and polar, at codon 856 of the DSCAML1 protein (p.Asn856Ser). This variant is not present in population databases (gnomAD no frequency). This variant has not been reported in the literature in individuals affected with DSCAML1-related conditions. An algorithm developed to predict the effect of missense changes on protein structure and function (PolyPhen-2) suggests that this variant is likely to be disruptive. In summary, the available evidence is currently insufficient to determine the role of this variant in disease. Therefore, it has been classified as a Variant of Uncertain Significance.

NM_020693.4(DSCAML1):c.2387A>G (p.Asn796Ser)

Gene: DSCAML1 (DS cell adhesion molecule like 1; minus strand). Cytogenetic location: 11q23.3.
Variant type: single nucleotide variant.
Coding change: c.2387A>G on transcript NM_020693.4 (MANE Select); coding-DNA position 2387, A replaced by G.
Protein change: p.Asn796Ser; replaces asparagine 796 with serine.
Molecular consequence: missense variant.
Genome position (GRCh38, 1-based): chr11:117,482,135, T>C on the plus strand (A>G on the coding strand, the complement: DSCAML1 is on the minus strand). VCF-style: chr11-117482135-T-C. GRCh37 (hg19) VCF-style: chr11-117352850-T-C.
Other names: c.2387A>G, p.Asn796Ser (NM_001367904.1); short protein forms N796S.
Identifiers: ClinVar variation 3723544 (VCV003723544.2).